The following is an entry in ClinVar:

NM_001039958.2(MESP2):c.427G>T (p.Glu143Ter)

Gene: MESP2 (mesoderm posterior bHLH transcription factor 2; plus strand). Cytogenetic location: 15q26.1.
Variant type: single nucleotide variant.
Coding change: c.427G>T on transcript NM_001039958.2 (MANE Select); coding-DNA position 427, G replaced by T.
Protein change: p.Glu143Ter; replaces glutamic acid 143 with a stop codon.
Molecular consequence: nonsense.
Genome position (GRCh38, 1-based): chr15:89,776,784, G>T. VCF-style: chr15-89776784-G-T. GRCh37 (hg19) VCF-style: chr15-90320015-G-T.
Other names: short protein forms E143*.
Identifiers: ClinVar variation 2851670 (VCV002851670.3), dbSNP rs998865794, ClinGen allele CA393770164.

ClinVar aggregate classification (germline): Pathogenic (1 of 4 stars; one submission).

Submission:

Labcorp Genetics (formerly Invitae), Labcorp
Classification: Pathogenic. Last evaluated: 2023-04-03. Review status: criteria provided, single submitter. Criteria: Invitae Variant Classification Sherloc (09022015). Collection method: clinical testing. Allele origin: germline.
Comment: For these reasons, this variant has been classified as Pathogenic. This variant has not been reported in the literature in individuals affected with MESP2-related conditions. This variant is not present in population databases (gnomAD no frequency). This sequence change creates a premature translational stop signal (p.Glu143*) in the MESP2 gene. It is expected to result in an absent or disrupted protein product. Loss-of-function variants in MESP2 are known to be pathogenic (PMID: 9242490, 18485326).

Literature cited by the submitters: PubMed 9242490; PubMed 18485326.